The following is an entry in ClinVar:

NM_022489.4(INF2):c.419A>G (p.Lys140Arg)

Gene: INF2 (inverted formin 2; plus strand). Cytogenetic location: 14q32.33.
Variant type: single nucleotide variant.
Coding change: c.419A>G on transcript NM_022489.4 (MANE Select); coding-DNA position 419, A replaced by G.
Protein change: p.Lys140Arg; replaces lysine 140 with arginine.
Molecular consequence: missense variant. On other transcripts: non-coding transcript variant (1).
Genome position (GRCh38, 1-based): chr14:104,703,132, A>G. VCF-style: chr14-104703132-A-G. GRCh37 (hg19) VCF-style: chr14-105169469-A-G.
Other names: c.419A>G, p.Lys140Arg (NM_001031714.4, NM_001426862.1, NM_001426863.1 and 6 more transcripts); short protein forms K140R.
Identifiers: ClinVar variation 4885808 (VCV004885808.2).

ClinVar aggregate classification (germline): Uncertain significance (1 of 4 stars; one submission).

Submission:

Dasa
Classification: Uncertain significance. Last evaluated: 2025-07-01. Review status: criteria provided, single submitter. Criteria: DASA Assertion Criteria. Collection method: clinical testing. Allele origin: germline.
Comment: NM_022489.4(INF2):c.419A>G (p.Lys140Arg) is a missense variant that results in the substitution of lysine with arginine. This variant is absent from population databases. The currently available literature and clinical evidence are not sufficient to establish a definitive association between this variant and the reported condition. Therefore, this variant is classified as a variant of uncertain significance.